The following is an entry in ClinVar:

NM_018474.6(KIZ):c.1640G>A (p.Ser547Asn)

Genes: KIZ (kizuna centrosomal protein; plus strand), KIZ-AS1 (KIZ antisense RNA 1; minus strand). Cytogenetic location: 20p11.23.
Variant type: single nucleotide variant.
Coding change: c.1640G>A on transcript NM_018474.6 (MANE Select); coding-DNA position 1640, G replaced by A.
Protein change: p.Ser547Asn; replaces serine 547 with asparagine.
Molecular consequence: missense variant.
Genome position (GRCh38, 1-based): chr20:21,215,610, G>A. VCF-style: chr20-21215610-G-A. GRCh37 (hg19) VCF-style: chr20-21196248-G-A.
Other names: c.1493G>A, p.Ser498Asn (NM_001276389.2); c.1586G>A, p.Ser529Asn (NM_001352434.2); c.1277G>A, p.Ser426Asn (NM_001352435.2); c.1298G>A, p.Ser433Asn (NM_001352436.2); c.1331G>A, p.Ser444Asn (NM_001163022.3); c.1241G>A, p.Ser414Asn (NM_001163023.3); short protein forms S414N, S426N, S433N, S444N, S498N, S529N, S547N.
Identifiers: ClinVar variation 1016443 (VCV001016443.9), dbSNP rs1238040059, ClinGen allele CA408491859.

ClinVar aggregate classification (germline): Uncertain significance. Review status: criteria provided, multiple submitters, no conflicts (2 of 4 stars). 2 submissions from 2 submitters: Uncertain significance (2). Last evaluated 2026-01-13.

Allele frequency attached by ClinVar (database versions not stated): gnomAD exomes below 0.00001; TOPMed 0.00001.
gnomAD v4.1: 2 of 1,606,284 alleles (0.00012%); highest among the groups gnomAD compares: Non-Finnish European, 0.000085%; no homozygotes.

Submissions (2):

Labcorp Genetics (formerly Invitae), Labcorp
Classification: Uncertain significance. Last evaluated: 2026-01-13. Review status: criteria provided, single submitter. Criteria: Invitae Variant Classification Sherloc (09022015). Collection method: clinical testing. Allele origin: germline.
Comment: This sequence change replaces serine, which is neutral and polar, with asparagine, which is neutral and polar, at codon 547 of the KIZ protein (p.Ser547Asn). This variant is not present in population databases (gnomAD no frequency). This variant has not been reported in the literature in individuals affected with KIZ-related conditions. ClinVar contains an entry for this variant (Variation ID: 1016443). Experimental studies and prediction algorithms are not available or were not evaluated, and the functional significance of this variant is currently unknown. In summary, the available evidence is currently insufficient to determine the role of this variant in disease. Therefore, it has been classified as a Variant of Uncertain Significance.

Blueprint Genetics
Classification: Uncertain significance. Last evaluated: 2024-11-01. Review status: criteria provided, single submitter. Criteria: ACMG Guidelines, 2015. Collection method: clinical testing. Allele origin: germline.